The following is an entry in ClinVar:

NM_006017.3(PROM1):c.2280+1G>A

Gene: PROM1 (prominin 1; minus strand). Cytogenetic location: 4p15.32.
Variant type: single nucleotide variant.
Coding change: c.2280+1G>A on transcript NM_006017.3 (MANE Select); the canonical splice donor site of the intron after coding-DNA position 2280, G replaced by A.
Molecular consequence: splice donor variant.
Genome position (GRCh38, 1-based): chr4:15,985,759, C>T on the plus strand (G>A on the coding strand, the complement: PROM1 is on the minus strand). VCF-style: chr4-15985759-C-T. GRCh37 (hg19) VCF-style: chr4-15987382-C-T.
Other names: c.2253+1G>A (NM_001145848.2, NM_001145852.2, NM_001145847.2 and 4 more transcripts); c.2280+1G>A (NM_001145850.2, NM_001145849.2).
Identifiers: ClinVar variation 1465126 (VCV001465126.6), dbSNP rs2149078329, ClinGen allele CA356427811.

ClinVar aggregate classification (germline): Likely pathogenic (1 of 4 stars; one submission).

Submission:

Labcorp Genetics (formerly Invitae), Labcorp
Classification: Likely pathogenic. Last evaluated: 2022-07-26. Review status: criteria provided, single submitter. Criteria: Invitae Variant Classification Sherloc (09022015). Collection method: clinical testing. Allele origin: germline.
Comment: This sequence change affects a donor splice site in intron 21 of the PROM1 gene. It is expected to disrupt RNA splicing. Variants that disrupt the donor or acceptor splice site typically lead to a loss of protein function (PMID: 16199547), and loss-of-function variants in PROM1 are known to be pathogenic (PMID: 17605048, 19718270, 24154662, 25474345). In summary, the currently available evidence indicates that the variant is pathogenic, but additional data are needed to prove that conclusively. Therefore, this variant has been classified as Likely Pathogenic. Algorithms developed to predict the effect of sequence changes on RNA splicing suggest that this variant may disrupt the consensus splice site. ClinVar contains an entry for this variant (Variation ID: 1465126). This variant has not been reported in the literature in individuals affected with PROM1-related conditions. This variant is not present in population databases (gnomAD no frequency).

Literature cited by the submitters: PubMed 16199547; PubMed 17605048; PubMed 19718270; PubMed 24154662; PubMed 25474345.